The following is an entry in ClinVar:

ClinVar aggregate classification (germline): Uncertain significance (1 of 4 stars; one submission).

Conditions:
Cardiovascular phenotype. Identifiers: MedGen CN230736.

Submission:

Ambry Genetics
Classification: Uncertain significance for Cardiovascular phenotype. Last evaluated: 2018-09-17. Review status: criteria provided, single submitter. Criteria: Ambry Variant Classification Scheme 2023. Collection method: clinical testing. Allele origin: germline.
Comment: The p.E13875G variant (also known as c.41624A>G), located in coding exon 150 of the TTN gene, results from an A to G substitution at nucleotide position 41624. The glutamic acid at codon 13875 is replaced by glycine, an amino acid with similar properties. This amino acid position is highly conserved in available vertebrate species. In addition, this alteration is predicted to be tolerated by in silico analysis. Since supporting evidence is limited at this time, the clinical significance of this alteration remains unclear.

NM_001267550.2(TTN):c.68819A>G (p.Glu22940Gly)

Genes: TTN (titin; minus strand), TTN-AS1 (TTN antisense RNA 1; plus strand). Cytogenetic location: 2q31.2.
Variant type: single nucleotide variant.
Coding change: c.68819A>G on transcript NM_001267550.2 (MANE Select); coding-DNA position 68819, A replaced by G.
Protein change: p.Glu22940Gly; replaces glutamic acid 22940 with glycine.
Molecular consequence: missense variant.
Genome position (GRCh38, 1-based): chr2:178,577,607, T>C on the plus strand (A>G on the coding strand, the complement: TTN is on the minus strand). VCF-style: chr2-178577607-T-C. GRCh37 (hg19) VCF-style: chr2-179442334-T-C.
Other names: c.63896A>G, p.Glu21299Gly (NM_001256850.1); c.41624A>G, p.Glu13875Gly (NM_003319.4); c.61115A>G, p.Glu20372Gly (NM_133378.4); c.41999A>G, p.Glu14000Gly (NM_133432.3); c.42200A>G, p.Glu14067Gly (NM_133437.4); short protein forms E13875G, E14067G, E20372G, E14000G, E21299G, E22940G.
Identifiers: ClinVar variation 1738349 (VCV001738349.2), dbSNP rs2468791380, ClinGen allele CA349671091.